The following is an entry in ClinVar:

NM_152743.4(BRAT1):c.2092G>A (p.Val698Met)

Gene: BRAT1 (BRCA1 associated ATM activator 1; minus strand). Cytogenetic location: 7p22.3.
Variant type: single nucleotide variant.
Coding change: c.2092G>A on transcript NM_152743.4 (MANE Select); coding-DNA position 2092, G replaced by A.
Protein change: p.Val698Met; replaces valine 698 with methionine.
Molecular consequence: missense variant. On other transcripts: non-coding transcript variant (1).
Genome position (GRCh38, 1-based): chr7:2,538,443, C>T on the plus strand (G>A on the coding strand, the complement: BRAT1 is on the minus strand). VCF-style: chr7-2538443-C-T. GRCh37 (hg19) VCF-style: chr7-2578077-C-T.
Other names: c.2272G>A, p.Val758Met (NM_001350626.2); c.1567G>A, p.Val523Met (NM_001350627.2); short protein forms V523M, V698M, V758M.
Identifiers: ClinVar variation 1056207 (VCV001056207.35), dbSNP rs781355172, ClinGen allele CA4127459.

ClinVar aggregate classification (germline): Uncertain significance. Review status: criteria provided, multiple submitters, no conflicts (2 of 4 stars). 2 submissions from 2 submitters: Uncertain significance (2). Last evaluated 2022-08-19.

Conditions:
Neonatal-onset encephalopathy with rigidity and seizures. Also called: Lethal neonatal spasticity-epileptic encephalopathy syndrome. Identifiers: Orphanet 435845, MedGen C3281029, MONDO:0013784, OMIM 614498.

Allele frequency attached by ClinVar (database versions not stated): gnomAD exomes 0.00001 and 0.00003; TOPMed 0.00001; gnomAD 0.00002 and 0.00003; ExAC 0.00003.
gnomAD v4.1: 24 of 1,613,110 alleles (0.0015%); highest among the groups gnomAD compares: East Asian, 0.0022%; no homozygotes.

Submissions (2):

Labcorp Genetics (formerly Invitae), Labcorp
Classification: Uncertain significance for Neonatal-onset encephalopathy with rigidity and seizures. Last evaluated: 2022-08-19. Review status: criteria provided, single submitter. Criteria: Invitae Variant Classification Sherloc (09022015). Collection method: clinical testing. Allele origin: germline.
Comment: This sequence change replaces valine, which is neutral and non-polar, with methionine, which is neutral and non-polar, at codon 698 of the BRAT1 protein (p.Val698Met). This variant is present in population databases (rs781355172, gnomAD 0.006%). This variant has not been reported in the literature in individuals affected with BRAT1-related conditions. ClinVar contains an entry for this variant (Variation ID: 1056207). Algorithms developed to predict the effect of missense changes on protein structure and function output the following: SIFT: "Deleterious"; PolyPhen-2: "Benign"; Align-GVGD: "Class C0". The methionine amino acid residue is found in multiple mammalian species, which suggests that this missense change does not adversely affect protein function. In summary, the available evidence is currently insufficient to determine the role of this variant in disease. Therefore, it has been classified as a Variant of Uncertain Significance.

CeGaT Center for Human Genetics Tuebingen
Classification: Uncertain significance. Last evaluated: 2022-07-01. Review status: criteria provided, single submitter. Criteria: CeGaT Center For Human Genetics Tuebingen Variant Classification Criteria Version 2. Collection method: clinical testing. Allele origin: germline. Affected: yes. Observed: 1 variant allele.